The following is an entry in ClinVar:

NM_003136.4(SRP54):c.510C>G (p.Ile170Met)

Gene: SRP54 (signal recognition particle 54; plus strand). Cytogenetic location: 14q13.2.
Variant type: single nucleotide variant.
Coding change: c.510C>G on transcript NM_003136.4 (MANE Select); coding-DNA position 510, C replaced by G.
Protein change: p.Ile170Met; replaces isoleucine 170 with methionine.
Molecular consequence: missense variant.
Genome position (GRCh38, 1-based): chr14:35,011,533, C>G. VCF-style: chr14-35011533-C-G. GRCh37 (hg19) VCF-style: chr14-35480739-C-G.
Other names: c.363C>G, p.Ile121Met (NM_001146282.2); c.510C>G, p.Ile170Met (NM_001411017.1); short protein forms I170M, I121M.
Identifiers: ClinVar variation 2768820 (VCV002768820.3), dbSNP rs2139004365, ClinGen allele CA389441045.

ClinVar aggregate classification (germline): Uncertain significance (1 of 4 stars; one submission).

Submission:

Labcorp Genetics (formerly Invitae), Labcorp
Classification: Uncertain significance. Last evaluated: 2023-10-27. Review status: criteria provided, single submitter. Criteria: Invitae Variant Classification Sherloc (09022015). Collection method: clinical testing. Allele origin: germline.
Comment: This sequence change replaces isoleucine, which is neutral and non-polar, with methionine, which is neutral and non-polar, at codon 170 of the SRP54 protein (p.Ile170Met). This variant is not present in population databases (gnomAD no frequency). This variant has not been reported in the literature in individuals affected with SRP54-related conditions. Advanced modeling of protein sequence and biophysical properties (such as structural, functional, and spatial information, amino acid conservation, physicochemical variation, residue mobility, and thermodynamic stability) performed at Invitae indicates that this missense variant is not expected to disrupt SRP54 protein function with a negative predictive value of 80%. In summary, the available evidence is currently insufficient to determine the role of this variant in disease. Therefore, it has been classified as a Variant of Uncertain Significance.